The following is an entry in ClinVar:

NM_000368.5(TSC1):c.1355G>A (p.Gly452Asp)

Gene: TSC1 (TSC complex subunit 1; minus strand). Cytogenetic location: 9q34.13.
Variant type: single nucleotide variant.
Coding change: c.1355G>A on transcript NM_000368.5 (MANE Select); coding-DNA position 1355, G replaced by A.
Protein change: p.Gly452Asp; replaces glycine 452 with aspartic acid.
Molecular consequence: missense variant.
Genome position (GRCh38, 1-based): chr9:132,906,814, C>T on the plus strand (G>A on the coding strand, the complement: TSC1 is on the minus strand). VCF-style: chr9-132906814-C-T. GRCh37 (hg19) VCF-style: chr9-135782201-C-T.
Other names: c.1352G>A, p.Gly451Asp (NM_001162426.2); c.1202G>A, p.Gly401Asp (NM_001162427.2); c.992G>A, p.Gly331Asp (NM_001362177.2); short protein forms G451D, G452D, G331D, G401D.
Identifiers: ClinVar variation 818993 (VCV000818993.16), dbSNP rs371093730, ClinGen allele CA375366017.

ClinVar aggregate classification (germline): Uncertain significance. Review status: criteria provided, multiple submitters, no conflicts (2 of 4 stars). 3 submissions from 3 submitters: Uncertain significance (3). Last evaluated 2021-11-07.

Conditions:
Hereditary cancer-predisposing syndrome. Also called: Hereditary Cancer Syndrome; Neoplastic Syndromes, Hereditary; Hereditary neoplastic syndrome; Tumor predisposition. Identifiers: Orphanet 140162, MedGen C0027672, MeSH D009386, MONDO:0015356.
Tuberous sclerosis 1 (TSC1). Identifiers: Orphanet 805, MedGen C1854465, MONDO:0008612, OMIM 191100.

Submissions (3):

Genome-Nilou Lab
Classification: Uncertain significance for Tuberous sclerosis 1. Last evaluated: 2021-11-07. Review status: criteria provided, single submitter. Criteria: ACMG Guidelines, 2015. Collection method: clinical testing. Allele origin: germline. Affected: no.

Labcorp Genetics (formerly Invitae), Labcorp
Classification: Uncertain significance for Tuberous sclerosis 1. Last evaluated: 2020-10-14. Review status: criteria provided, single submitter. Criteria: Invitae Variant Classification Sherloc (09022015). Collection method: clinical testing. Allele origin: germline.
Comment: This variant is not present in population databases (ExAC no frequency). In summary, the available evidence is currently insufficient to determine the role of this variant in disease. Therefore, it has been classified as a Variant of Uncertain Significance. Algorithms developed to predict the effect of missense changes on protein structure and function (SIFT, PolyPhen-2, Align-GVGD) all suggest that this variant is likely to be tolerated, but these predictions have not been confirmed by published functional studies and their clinical significance is uncertain. This variant has not been reported in the literature in individuals with TSC1-related conditions. This sequence change replaces glycine with aspartic acid at codon 452 of the TSC1 protein (p.Gly452Asp). The glycine residue is moderately conserved and there is a moderate physicochemical difference between glycine and aspartic acid.

Ambry Genetics
Classification: Uncertain significance for Hereditary cancer-predisposing syndrome. Last evaluated: 2019-10-24. Review status: criteria provided, single submitter. Criteria: Ambry Variant Classification Scheme 2023. Collection method: clinical testing. Allele origin: germline.
Comment: The p.G452D variant (also known as c.1355G>A), located in coding exon 12 of the TSC1 gene, results from a G to A substitution at nucleotide position 1355. The glycine at codon 452 is replaced by aspartic acid, an amino acid with similar properties. This amino acid position is well conserved in available vertebrate species. In addition, the in silico prediction for this alteration is inconclusive. Since supporting evidence is limited at this time, the clinical significance of this alteration remains unclear.